The following is an entry in ClinVar:

ClinVar aggregate classification (germline): Uncertain significance (1 of 4 stars; one submission).

Allele frequency attached by ClinVar (database versions not stated): TOPMed below 0.00001; gnomAD 0.00001.

Submission:

Labcorp Genetics (formerly Invitae), Labcorp
Classification: Uncertain significance. Last evaluated: 2023-03-08. Review status: criteria provided, single submitter. Criteria: Invitae Variant Classification Sherloc (09022015). Collection method: clinical testing. Allele origin: germline.
Comment: This sequence change replaces cysteine, which is neutral and slightly polar, with arginine, which is basic and polar, at codon 18 of the TNFRSF11A protein (p.Cys18Arg). This variant is not present in population databases (gnomAD no frequency). This variant has not been reported in the literature in individuals affected with TNFRSF11A-related conditions. Experimental studies and prediction algorithms are not available or were not evaluated, and the functional significance of this variant is currently unknown. In summary, the available evidence is currently insufficient to determine the role of this variant in disease. Therefore, it has been classified as a Variant of Uncertain Significance.

NM_003839.4(TNFRSF11A):c.52T>C (p.Cys18Arg)

Gene: TNFRSF11A (TNF receptor superfamily member 11a; plus strand). Cytogenetic location: 18q21.33.
Variant type: single nucleotide variant.
Coding change: c.52T>C on transcript NM_003839.4 (MANE Select); coding-DNA position 52, T replaced by C.
Protein change: p.Cys18Arg; replaces cysteine 18 with arginine.
Molecular consequence: missense variant.
Genome position (GRCh38, 1-based): chr18:62,325,404, T>C. VCF-style: chr18-62325404-T-C. GRCh37 (hg19) VCF-style: chr18-59992637-T-C.
Other names: c.52T>C, p.Cys18Arg (NM_001270949.2, NM_001270950.2, NM_001270951.2 and 1 more transcripts); short protein forms C18R.
Identifiers: ClinVar variation 3010498 (VCV003010498.3), dbSNP rs1198435270, ClinGen allele CA402618728.